The following is an entry in ClinVar:

NM_005359.6(SMAD4):c.787+8C>T

Gene: SMAD4 (SMAD family member 4; plus strand). Cytogenetic location: 18q21.2.
Variant type: single nucleotide variant.
Coding change: c.787+8C>T on transcript NM_005359.6 (MANE Select); 8 bases into the intron after coding-DNA position 787, C replaced by T.
Molecular consequence: intron variant.
Genome position (GRCh38, 1-based): chr18:51,058,252, C>T. VCF-style: chr18-51058252-C-T. GRCh37 (hg19) VCF-style: chr18-48584622-C-T.
Identifiers: ClinVar variation 510583 (VCV000510583.11), dbSNP rs749225244, ClinGen allele CA8965899.
Genomic context (GRCh38, chr18:51,058,252, plus strand): 5'-GCCAGGACAGCAGCAGAATGGATTTACTGGTCAGCCAGCTACTTACCATCATAGTATGTA[C>T]ATACTTTAAAAAATCTTTTAAATAGTTGAGAAAAAAGTAGGCAGCCTTTATAAAAGCAAA-3'

ClinVar aggregate classification (germline): Likely benign. Review status: criteria provided, multiple submitters, no conflicts (2 of 4 stars). 4 submissions from 4 submitters: Likely benign (4). Last evaluated 2025-07-16.

Conditions:
Juvenile polyposis/hereditary hemorrhagic telangiectasia syndrome (JPHT). Also called: POLYPOSIS, GENERALIZED JUVENILE, WITH PULMONARY ARTERIOVENOUS MALFORMATION; TELANGIECTASIA, HEREDITARY HEMORRHAGIC, WITH JUVENILE POLYPOSIS COLI; JP/HHT SYNDROME; JUVENILE POLYPOSIS WITH HEREDITARY HEMORRHAGIC TELANGIECTASIA; Juvenile Polyposis Syndrome / Hereditary Hemorrhagic Telangiectasia (JPS/HHT). Identifiers: Orphanet 2929, MedGen C1832942, MONDO:0008278, OMIM 175050.
Juvenile polyposis syndrome (JPS). Identifiers: Orphanet 2929, MedGen C0345893, MONDO:0017380, OMIM 174900.

Allele frequency attached by ClinVar (database versions not stated): gnomAD exomes below 0.00001; ExAC 0.00001.
gnomAD v4.1: 4 of 1,611,128 alleles (0.00025%); highest among the groups gnomAD compares: Non-Finnish European, 0.00034%; no homozygotes.

Submissions (4):

Labcorp Genetics (formerly Invitae), Labcorp
Classification: Likely benign for Juvenile polyposis syndrome. Last evaluated: 2025-07-16. Review status: criteria provided, single submitter. Criteria: Invitae Variant Classification Sherloc (09022015). Collection method: clinical testing. Allele origin: germline.

Myriad Genetics, Inc.
Classification: Likely benign for Juvenile polyposis/hereditary hemorrhagic telangiectasia syndrome. Last evaluated: 2025-03-20. Review status: criteria provided, single submitter. Criteria: Myriad Autosomal Dominant, Autosomal Recessive and X-Linked Classification Criteria (2023). Collection method: clinical testing. Allele origin: unknown.
Comment: This variant is considered likely benign. This variant is intronic and is not expected to impact mRNA splicing.

Blueprint Genetics
Classification: Likely benign. Last evaluated: 2022-08-02. Review status: criteria provided, single submitter. Criteria: ACMG Guidelines, 2015. Collection method: clinical testing. Allele origin: germline.

GeneDx
Classification: Likely benign. Last evaluated: 2017-07-07. Review status: criteria provided, single submitter. Criteria: GeneDx Variant Classification (06012015). Collection method: clinical testing. Allele origin: germline. Affected: yes.
Comment: This variant is considered likely benign or benign based on one or more of the following criteria: it is a conservative change, it occurs at a poorly conserved position in the protein, it is predicted to be benign by multiple in silico algorithms, and/or has population frequency not consistent with disease.